The following is an entry in ClinVar:

ClinVar aggregate classification (germline): Uncertain significance (1 of 4 stars; one submission).

Allele frequency attached by ClinVar (database versions not stated): gnomAD 0.00001; gnomAD exomes 0.00001; TOPMed 0.00003.
gnomAD v4.1: 11 of 1,209,660 alleles (0.00091%); highest among the groups gnomAD compares: African/African-American, 0.0035%; no homozygotes.

Submission:

Labcorp Genetics (formerly Invitae), Labcorp
Classification: Uncertain significance. Last evaluated: 2025-12-16. Review status: criteria provided, single submitter. Criteria: Invitae Variant Classification Sherloc (09022015). Collection method: clinical testing. Allele origin: germline.
Comment: This sequence change replaces lysine, which is basic and polar, with arginine, which is basic and polar, at codon 365 of the NEXMIF protein (p.Lys365Arg). This variant is not present in population databases (gnomAD no frequency). This variant has not been reported in the literature in individuals affected with NEXMIF-related conditions. ClinVar contains an entry for this variant (Variation ID: 2065797). An algorithm developed to predict the effect of missense changes on protein structure and function (PolyPhen-2) suggests that this variant is likely to be disruptive. In summary, the available evidence is currently insufficient to determine the role of this variant in disease. Therefore, it has been classified as a Variant of Uncertain Significance.

NM_001008537.3(NEXMIF):c.1094A>G (p.Lys365Arg)

Gene: NEXMIF (neurite extension and migration factor; minus strand). Cytogenetic location: Xq13.3.
Variant type: single nucleotide variant.
Coding change: c.1094A>G on transcript NM_001008537.3 (MANE Select); coding-DNA position 1094, A replaced by G.
Protein change: p.Lys365Arg; replaces lysine 365 with arginine.
Molecular consequence: missense variant.
Genome position (GRCh38, 1-based): chrX:74,743,463, T>C on the plus strand (A>G on the coding strand, the complement: NEXMIF is on the minus strand). VCF-style: chrX-74743463-T-C. GRCh37 (hg19) VCF-style: chrX-73963298-T-C.
Other names: short protein forms K365R.
Identifiers: ClinVar variation 2065797 (VCV002065797.4), dbSNP rs1472054670, ClinGen allele CA413671483.
Genomic context (GRCh38, chrX:74,743,463, plus strand): 5'-CCTTTCTTCTTGTCCAAGTTTTTATCTTCCTCCCCCCAGATGATGCTCACATCAGGGACC[T>C]TGAATTGGGAAAAATCACTGCTCTGCTTCAGGGCCCCACTCTTAGACTCTCGCTTGGGGC-3'
Protein context (NP_001008537.1, residues 355-375): LKQSSDFSQF[Lys365Arg]VPDVSIIWGE